The following is an entry in ClinVar:

NM_000817.3(GAD1):c.*803T>C

Gene: GAD1 (glutamate decarboxylase 1; plus strand). Cytogenetic location: 2q31.1.
Variant type: single nucleotide variant.
Coding change: c.*803T>C on transcript NM_000817.3 (MANE Select); 803 bases downstream of the stop codon, T replaced by C.
Molecular consequence: 3 prime UTR variant.
Genome position (GRCh38, 1-based): chr2:170,860,685, T>C. VCF-style: chr2-170860685-T-C. GRCh37 (hg19) VCF-style: chr2-171717195-T-C.
Identifiers: ClinVar variation 332250 (VCV000332250.8), dbSNP rs45557335, ClinGen allele CA10611818.
Genomic context (GRCh38, chr2:170,860,685, plus strand): 5'-TATTTTCTTCCCATTTGTAATGTATCTTATTTATATATGAAGTAAGTTCTGAAAACTGTT[T>C]ATGGTATTTTCGTGCATTTGTGAGCCAAAGAGAAAAGATTAAAATTAGTGAGATTTGTAT-3'

ClinVar aggregate classification (germline): Benign. Review status: criteria provided, multiple submitters, no conflicts (2 of 4 stars). 2 submissions from 2 submitters: Benign (2). Last evaluated 2018-01-12.

Conditions:
Neurodevelopmental disorder with progressive spasticity and brain white matter abnormalities. Also called: CEREBRAL PALSY, SPASTIC QUADRIPLEGIC, 1. Identifiers: Orphanet 210141, Orphanet 641353, MedGen C5436628, MONDO:0033613, OMIM 619026.

Allele frequency attached by ClinVar (database versions not stated): gnomAD 0.01102 and 0.01037; 1000 Genomes Project 30x 0.01437; TOPMed 0.01156; 1000 Genomes Project 0.01358.

Submissions (2):

Illumina Laboratory Services, Illumina
Classification: Benign. Last evaluated: 2018-01-12. Review status: criteria provided, single submitter. Criteria: ICSL Variant Classification Criteria 13 December 2019. Collection method: clinical testing. Allele origin: germline.
Comment: This variant was observed in the ICSL laboratory as part of a predisposition screen in an ostensibly healthy population. It had not been previously curated by ICSL or reported in the Human Gene Mutation Database (HGMD: prior to June 1st, 2018), and was therefore a candidate for classification through an automated scoring system. Utilizing variant allele frequency, disease prevalence and penetrance estimates, and inheritance mode, an automated score was calculated to assess if this variant is too frequent to cause the disease. Based on the score and internal cut-off values, a variant classified as benign is not then subjected to further curation. The score for this variant resulted in a classification of benign for this disease.

Breakthrough Genomics
Classification: Benign. Review status: criteria provided, single submitter. Criteria: ACMG Guidelines, 2015. Collection method: not provided. Allele origin: germline. Inheritance: Autosomal recessive inheritance. Affected: yes.